The following is an entry in ClinVar:

ClinVar aggregate classification (germline): Uncertain significance (1 of 4 stars; one submission).

Conditions:
Dilated cardiomyopathy 1G (CMD1G). Identifiers: Orphanet 154, MedGen C1858763, MONDO:0011400, OMIM 604145.
Autosomal recessive limb-girdle muscular dystrophy type 2J (LGMDR10). Also called: Limb-girdle muscular dystrophy, type 2J; MUSCULAR DYSTROPHY, LIMB-GIRDLE, AUTOSOMAL RECESSIVE 10. Identifiers: Orphanet 140922, MedGen C1837342, MONDO:0012127, OMIM 608807.

Submission:

Labcorp Genetics (formerly Invitae), Labcorp
Classification: Uncertain significance for Dilated cardiomyopathy 1G; Autosomal recessive limb-girdle muscular dystrophy type 2J. Last evaluated: 2022-02-08. Review status: criteria provided, single submitter. Criteria: Invitae Variant Classification Sherloc (09022015). Collection method: clinical testing. Allele origin: germline.
Comment: This variant is located in the M band of TTN (PMID: 25589632). Variants in this region may be relevant for neuromuscular disorders, but have not been definitively shown to cause cardiomyopathy (PMID: 23975875). In summary, the available evidence is currently insufficient to determine the role of this variant in disease. Therefore, it has been classified as a Variant of Uncertain Significance. Experimental studies and prediction algorithms are not available or were not evaluated, and the functional significance of this variant is currently unknown. This variant has not been reported in the literature in individuals affected with TTN-related conditions. This variant is not present in population databases (gnomAD no frequency). This sequence change replaces arginine, which is basic and polar, with lysine, which is basic and polar, at codon 34838 of the TTN protein (p.Arg34838Lys).

Literature cited by the submitters: PubMed 25589632; PubMed 23975875.

NM_001267550.2(TTN):c.104513G>A (p.Arg34838Lys)

Genes: TTN-AS1 (TTN antisense RNA 1; plus strand), TTN (titin; minus strand). Cytogenetic location: 2q31.2.
Variant type: single nucleotide variant.
Coding change: c.104513G>A on transcript NM_001267550.2 (MANE Select); coding-DNA position 104513, G replaced by A.
Protein change: p.Arg34838Lys; replaces arginine 34838 with lysine.
Molecular consequence: missense variant.
Genome position (GRCh38, 1-based): chr2:178,532,102, C>T on the plus strand (G>A on the coding strand, the complement: TTN is on the minus strand). VCF-style: chr2-178532102-C-T. GRCh37 (hg19) VCF-style: chr2-179396829-C-T.
Other names: c.99590G>A, p.Arg33197Lys (NM_001256850.1); c.77318G>A, p.Arg25773Lys (NM_003319.4); c.96809G>A, p.Arg32270Lys (NM_133378.4); c.77693G>A, p.Arg25898Lys (NM_133432.3); c.77894G>A, p.Arg25965Lys (NM_133437.4); short protein forms R33197K, R32270K, R34838K, R25773K, R25898K, R25965K.
Identifiers: ClinVar variation 1930408 (VCV001930408.5), dbSNP rs2468437439, ClinGen allele CA349411497.